The following is an entry in ClinVar:

ClinVar aggregate classification (germline): Uncertain significance (1 of 4 stars; one submission).

Conditions:
Dyskeratosis congenita. Identifiers: Orphanet 1775, MedGen C0265965, MONDO:0015780.

Allele frequency attached by ClinVar (database versions not stated): gnomAD exomes below 0.00001; TOPMed below 0.00001; ExAC 0.00001; gnomAD 0.00001; 1000 Genomes Project 30x 0.00016; 1000 Genomes Project 0.00020.
gnomAD v4.1: 3 of 1,614,090 alleles (0.00019%); highest among the groups gnomAD compares: South Asian, 0.0022%; no homozygotes.

Submission:

Labcorp Genetics (formerly Invitae), Labcorp
Classification: Uncertain significance for Dyskeratosis congenita. Last evaluated: 2019-11-26. Review status: criteria provided, single submitter. Criteria: Invitae Variant Classification Sherloc (09022015). Collection method: clinical testing. Allele origin: germline.
Comment: This sequence change replaces proline with histidine at codon 910 of the CTC1 protein (p.Pro910His). The proline residue is highly conserved and there is a moderate physicochemical difference between proline and histidine. This variant is present in population databases (rs532454635, ExAC 0.006%). This variant has not been reported in the literature in individuals with CTC1-related conditions. Algorithms developed to predict the effect of missense changes on protein structure and function are either unavailable or do not agree on the potential impact of this missense change (SIFT: "Deleterious"; PolyPhen-2: "Probably Damaging"; Align-GVGD: "Class C0"). In summary, the available evidence is currently insufficient to determine the role of this variant in disease. Therefore, it has been classified as a Variant of Uncertain Significance.

NM_025099.6(CTC1):c.2729C>A (p.Pro910His)

Gene: CTC1 (CST telomere replication complex component 1; minus strand). Cytogenetic location: 17p13.1.
Variant type: single nucleotide variant.
Coding change: c.2729C>A on transcript NM_025099.6 (MANE Select); coding-DNA position 2729, C replaced by A.
Protein change: p.Pro910His; replaces proline 910 with histidine.
Molecular consequence: missense variant. On other transcripts: non-coding transcript variant (1).
Genome position (GRCh38, 1-based): chr17:8,230,592, G>T on the plus strand (C>A on the coding strand, the complement: CTC1 is on the minus strand). VCF-style: chr17-8230592-G-T. GRCh37 (hg19) VCF-style: chr17-8133910-G-T.
Other names: short protein forms P910H.
Identifiers: ClinVar variation 842569 (VCV000842569.1), dbSNP rs532454635, ClinGen allele CA8371992.